The following is an entry in ClinVar:

ClinVar aggregate classification (germline): Uncertain significance. Review status: criteria provided, multiple submitters, no conflicts (2 of 4 stars). 2 submissions from 2 submitters: Uncertain significance (2). Last evaluated 2024-10-30.

gnomAD v4.1: 13 of 1,613,954 alleles (0.00081%); highest among the groups gnomAD compares: African/African-American, 0.0013%; no homozygotes.

Submissions (2):

Labcorp Genetics (formerly Invitae), Labcorp
Classification: Uncertain significance. Last evaluated: 2024-10-30. Review status: criteria provided, single submitter. Criteria: Invitae Variant Classification Sherloc (09022015). Collection method: clinical testing. Allele origin: germline.
Comment: This sequence change replaces isoleucine, which is neutral and non-polar, with threonine, which is neutral and polar, at codon 962 of the COL4A1 protein (p.Ile962Thr). This variant is present in population databases (rs748638078, gnomAD 0.002%). This variant has not been reported in the literature in individuals affected with COL4A1-related conditions. Invitae Evidence Modeling of protein sequence and biophysical properties (such as structural, functional, and spatial information, amino acid conservation, physicochemical variation, residue mobility, and thermodynamic stability) indicates that this missense variant is not expected to disrupt COL4A1 protein function with a negative predictive value of 95%. In summary, the available evidence is currently insufficient to determine the role of this variant in disease. Therefore, it has been classified as a Variant of Uncertain Significance.

Blueprint Genetics
Classification: Uncertain significance. Last evaluated: 2024-06-03. Review status: criteria provided, single submitter. Criteria: ACMG Guidelines, 2015. Collection method: clinical testing. Allele origin: germline.

NM_001845.6(COL4A1):c.2885T>C (p.Ile962Thr)

Gene: COL4A1 (collagen type IV alpha 1 chain; minus strand). Cytogenetic location: 13q34.
Variant type: single nucleotide variant.
Coding change: c.2885T>C on transcript NM_001845.6 (MANE Select); coding-DNA position 2885, T replaced by C.
Protein change: p.Ile962Thr; replaces isoleucine 962 with threonine.
Molecular consequence: missense variant.
Genome position (GRCh38, 1-based): chr13:110,176,709, A>G on the plus strand (T>C on the coding strand, the complement: COL4A1 is on the minus strand). VCF-style: chr13-110176709-A-G. GRCh37 (hg19) VCF-style: chr13-110829056-A-G.
Other names: short protein forms I962T.
Identifiers: ClinVar variation 3667212 (VCV003667212.3).